The following is an entry in ClinVar:

NM_000435.3(NOTCH3):c.1791C>G (p.Cys597Trp)

Gene: NOTCH3 (notch receptor 3; minus strand). Cytogenetic location: 19p13.12.
Variant type: single nucleotide variant.
Coding change: c.1791C>G on transcript NM_000435.3 (MANE Select); coding-DNA position 1791, C replaced by G.
Protein change: p.Cys597Trp; replaces cysteine 597 with tryptophan.
Molecular consequence: missense variant.
Genome position (GRCh38, 1-based): chr19:15,187,154, G>C on the plus strand (C>G on the coding strand, the complement: NOTCH3 is on the minus strand). VCF-style: chr19-15187154-G-C. GRCh37 (hg19) VCF-style: chr19-15297965-G-C.
Other names: p.Cys597Trp; short protein forms C597W.
Identifiers: ClinVar variation 1805526 (VCV001805526.4), dbSNP rs2512657457, ClinGen allele CA404524754.
Genomic context (GRCh38, chr19:15,187,154, plus strand): 5'-CCCGGTCCCACCTGTGGTCCCAGAAGGGCAGCGGCAGAGGTACTTGTCCACCAGGTCTAG[G>C]CATTTGCCGCCATGGCGGCAGGGCTGGCTGCGGCATTCGTCCACCTGGCTCTCGCAGCGT-3'
Protein context (NP_000426.2, residues 587-607): RSQPCRHGGK[Cys597Trp]LDLVDKYLCR

ClinVar aggregate classification (germline): Pathogenic/Likely pathogenic. Review status: criteria provided, multiple submitters, no conflicts (2 of 4 stars). 3 submissions from 3 submitters: Pathogenic (1); Likely pathogenic (2). Last evaluated 2025-10-15.

Conditions:
NOTCH3-related disorder. Also called: NOTCH3-related condition; NOTCH3-related disorders.
Cerebral arteriopathy, autosomal dominant, with subcortical infarcts and leukoencephalopathy, type 1 (CADASIL1). Also called: Cerebral arteriopathy with subcortical infarcts and leukoencephalopathy 1; DEMENTIA, HEREDITARY MULTIINFARCT TYPE; CADASIL 1; CASIL. Identifiers: Orphanet 136, MedGen C4551768, MONDO:0000914, OMIM 125310.

Submissions (3):

Mayo Clinic Laboratories, Mayo Clinic
Classification: Likely pathogenic. Last evaluated: 2025-10-15. Review status: criteria provided, single submitter. Criteria: ACMG Guidelines, 2015. Collection method: clinical testing. Allele origin: germline. Observed: 1 variant allele.
Comment: PP3_moderate, PM1, PM2_supporting, PM5

Victorian Clinical Genetics Services, Murdoch Childrens Research Institute
Classification: Pathogenic for Cerebral arteriopathy, autosomal dominant, with subcortical infarcts and leukoencephalopathy, type 1. Last evaluated: 2024-10-08. Review status: criteria provided, single submitter. Criteria: ACMG Guidelines, 2015. Collection method: clinical testing. Allele origin: germline. Inheritance: Autosomal dominant inheritance. Affected: yes.
Comment: Based on the classification scheme VCGS_Germline_v1.3.4, this variant is classified as Pathogenic. Following criteria are met: 0105 - The mechanism of disease for this gene is not clearly established. Both loss of function and dominant negative have been suggested as mechanisms in CADASIL (MIM#125310), however lateral meningocele syndrome (MIM#130720) results from a gain of function (OMIM). (I) 0107 - This gene is associated with autosomal dominant disease. (I) 0115 - Variants in this gene are known to have variable expressivity. The p.(Arg544Cys) variant is associated with a later age of onset and milder clinical features than other NOTCH3 variants (PMIDs: 20301673, 26308724). (I) 0200 - Variant is predicted to result in a missense amino acid change from cysteine to tryptophan. (I) 0251 - This variant is heterozygous. (I) 0301 - Variant is absent from gnomAD (both v2 and v3). (SP) 0501 - Missense variant consistently predicted to be damaging by multiple in silico tools or highly conserved with a major amino acid change. (SP) 0601 - Variant is located in the well-established functional calcium-binding EGF-like domain. The addition or elimination of cysteine residues in the EGF-like repeat domains typically result in mismatched disulphide bridging and altered protein function (PMID: 27881154). (SP) 0702 - Other missense variants comparable to the one identified in this case have strong previous evidence for pathogenicity. Two different variants in the same codon resulting in a change to a serine and tyrosine have been reported in individuals with CADASIL (PMIDs: 22053260, 27844030, 20164846), the latter has also been classified as likely pathogenic and pathogenic by clinical laboratories in ClinVar. (SP) 0803 - This variant has limited previous evidence of pathogenicity in an unrelated individual. This variant has been previously reported in a patient with CADASIL (PMID: 27881154). (SP) 0905 - No published segregation evidence has been identified for this variant. (I) 1007 - No published functional evidence has been identified for this variant. (I) 1208 - Inheritance information for this variant is not currently available in this individual. (I) Legend: (SP) - Supporting pathogenic, (I) - Information, (SB) - Supporting benign

Blueprint Genetics
Classification: Likely pathogenic for NOTCH3-related disorders. Last evaluated: 2022-03-30. Review status: criteria provided, single submitter. Criteria: ACMG Guidelines, 2015. Collection method: clinical testing. Allele origin: germline. Affected: yes. Observed: 1 variant allele.

Literature cited by the submitters: PubMed 27881154 (cited by Mayo Clinic Laboratories, Mayo Clinic and Victorian Clinical Genetics Services, Murdoch Childrens Research Institute); PubMed 31915071 (cited by Mayo Clinic Laboratories, Mayo Clinic); PubMed 37873835 (cited by Mayo Clinic Laboratories, Mayo Clinic); PubMed 20164846 (cited by Victorian Clinical Genetics Services, Murdoch Childrens Research Institute); PubMed 20301673 (cited by Victorian Clinical Genetics Services, Murdoch Childrens Research Institute); PubMed 22053260 (cited by Victorian Clinical Genetics Services, Murdoch Childrens Research Institute); PubMed 26308724 (cited by Victorian Clinical Genetics Services, Murdoch Childrens Research Institute); PubMed 27844030 (cited by Victorian Clinical Genetics Services, Murdoch Childrens Research Institute).